The following is an entry in ClinVar:

ClinVar aggregate classification (germline): Uncertain significance (1 of 4 stars; one submission).

Submission:

GeneDx
Classification: Uncertain significance. Last evaluated: 2025-05-28. Review status: criteria provided, single submitter. Criteria: GeneDx Variant Classification Process June 2021. Collection method: clinical testing. Allele origin: germline. Affected: yes.
Comment: Not observed at significant frequency in large population cohorts (gnomAD); In silico analysis suggests that this missense variant does not alter protein structure/function; Has not been previously published as pathogenic or benign to our knowledge

NM_020719.3(PRR12):c.2846C>T (p.Thr949Ile)

Gene: PRR12 (proline rich 12; plus strand). Cytogenetic location: 19q13.33.
Variant type: single nucleotide variant.
Coding change: c.2846C>T on transcript NM_020719.3 (MANE Select); coding-DNA position 2846, C replaced by T.
Protein change: p.Thr949Ile; replaces threonine 949 with isoleucine.
Molecular consequence: missense variant.
Genome position (GRCh38, 1-based): chr19:49,597,181, C>T. VCF-style: chr19-49597181-C-T. GRCh37 (hg19) VCF-style: chr19-50100438-C-T.
Other names: short protein forms T949I.
Identifiers: ClinVar variation 4532484 (VCV004532484.1).